The following is an entry in ClinVar:

NM_007294.4(BRCA1):c.4967G>A (p.Gly1656Asp)

Gene: BRCA1 (BRCA1 DNA repair associated; minus strand). Cytogenetic location: 17q21.31.
Variant type: single nucleotide variant.
Coding change: c.4967G>A on transcript NM_007294.4 (MANE Select); coding-DNA position 4967, G replaced by A.
Protein change: p.Gly1656Asp; replaces glycine 1656 with aspartic acid.
Molecular consequence: missense variant. On other transcripts: non-coding transcript variant (1).
Genome position (GRCh38, 1-based): chr17:43,070,947, C>T on the plus strand (G>A on the coding strand, the complement: BRCA1 is on the minus strand). VCF-style: chr17-43070947-C-T. GRCh37 (hg19) VCF-style: chr17-41222964-C-T.
Other names: c.4754G>A, p.Gly1585Asp (NM_001407895.1, NM_001407896.1, NM_001407897.1 and 12 more transcripts); c.4967G>A, p.Gly1656Asp (NM_001407597.1, NM_001407598.1, NM_001407602.1 and 8 more transcripts); c.4964G>A, p.Gly1655Asp (NM_001407610.1, NM_001407611.1, NM_001407612.1 and 17 more transcripts); c.4961G>A, p.Gly1654Asp (NM_001407627.1, NM_001407628.1, NM_001407629.1 and 14 more transcripts); c.4958G>A, p.Gly1653Asp (NM_001407644.1, NM_001407645.1); c.4955G>A, p.Gly1652Asp (NM_001407646.1); c.4952G>A, p.Gly1651Asp (NM_001407647.1); c.4910G>A, p.Gly1637Asp (NM_001407648.1); and 70 more; short protein forms G1656D, G552D, G1609D, G1677D, G1360D, G1545D, G1566D, G1584D.
Identifiers: ClinVar variation 55337 (VCV000055337.6), dbSNP rs80357414, ClinGen allele CA003114.
Genomic context (GRCh38, chr17:43,070,947, plus strand): 5'-TAAGTCTTAGTCATTAGGGAGATACATATGGATACACTCACAAATTCTTCTGGGGTCAGG[C>T]CAGACACCACCATGGACATTCTTTTGTTGACCCTTTCTGTTGAAGCTGTCAATTCTGGCT-3'
Protein context (NP_009225.1, residues 1646-1666): VNKRMSMVVS[Gly1656Asp]LTPEEFMLVY

ClinVar aggregate classification (germline): Uncertain significance. Review status: criteria provided, single submitter (1 of 4 stars). 2 submissions from 2 submitters: Uncertain significance (1). 1 of the submissions does not count toward it. Last evaluated 2025-02-24.

Conditions:
Breast-ovarian cancer, familial, susceptibility to, 1 (BROVCA1). Also called: BRCA1 Hereditary Breast and Ovarian Cancer; OVARIAN CANCER, SUSCEPTIBILITY TO. Identifiers: Orphanet 145, MedGen C2676676, MONDO:0011450, OMIM 604370. Disease mechanism: loss of function.

Submissions (3):

Molecular Pathology, Peter Maccallum Cancer Centre
Classification: Uncertain significance for Breast-ovarian cancer, familial, susceptibility to, 1. Last evaluated: 2025-02-24. Review status: criteria provided, single submitter. Criteria: ACMG Guidelines, 2015. Collection method: clinical testing. Allele origin: germline. Inheritance: Autosomal dominant inheritance.

Breast Cancer Information Core (BIC) (BRCA1)
Classification: Uncertain significance for Breast-ovarian cancer, familial 1. Last evaluated: 2004-11-25. Review status: no assertion criteria provided. Collection method: clinical testing. Allele origin: germline. Affected: yes. Observed: 1 variant allele. Not counted in ClinVar's aggregate classification.

Brotman Baty Institute, University of Washington
No classification provided (evidence only). Condition: Breast-ovarian cancer, familial 1. Review status: no classification provided. Collection method: in vitro. Allele origin: not applicable. Functional consequence: functionally_normal. Not counted in ClinVar's aggregate classification.
ClinVar note: "not provided" was previously submitted as the classification for the variant. However, the classification appeared to be based only on an observation of functional data so it was converted to no classification on 2025-07-30.